The following is an entry in ClinVar:

NM_020975.6(RET):c.1866C>G (p.Pro622=)

Gene: RET (ret proto-oncogene; plus strand). Cytogenetic location: 10q11.21.
Variant type: single nucleotide variant.
Coding change: c.1866C>G on transcript NM_020975.6 (MANE Select); coding-DNA position 1866, C replaced by G.
Protein change: p.Pro622=; no amino-acid change (proline 622 retained).
Molecular consequence: synonymous variant. On other transcripts: intron variant (2).
Genome position (GRCh38, 1-based): chr10:43,113,662, C>G. VCF-style: chr10-43113662-C-G. GRCh37 (hg19) VCF-style: chr10-43609110-C-G.
Other names: c.1578C>G, p.Pro526= (NM_001406766.1, NM_001406767.1, NM_001406770.1); c.1737C>G, p.Pro579= (NM_001406768.1, NM_001406761.1, NM_001406762.1 and 1 more transcripts); c.1470C>G, p.Pro490= (NM_001406769.1, NM_001406772.1); c.1428C>G, p.Pro476= (NM_001406771.1, NM_001406773.1); c.1341C>G, p.Pro447= (NM_001406774.1); c.1140C>G, p.Pro380= (NM_001406775.1, NM_001406776.1, NM_001406777.1 and 1 more transcripts); c.969C>G, p.Pro323= (NM_001406779.1, NM_001406780.1, NM_001406781.1 and 2 more transcripts); c.840C>G, p.Pro280= (NM_001406783.1, NM_001406786.1); and 7 more.
Identifiers: ClinVar variation 241340 (VCV000241340.21), dbSNP rs201979255, ClinGen allele CA035876.

ClinVar aggregate classification (germline): Benign/Likely benign. Review status: criteria provided, multiple submitters, no conflicts (2 of 4 stars). 7 submissions from 7 submitters: Benign (2); Likely benign (5). Last evaluated 2026-05-05.

Conditions:
RET-related disorder. Also called: RET-related condition; RET-related disease; RET-related disorders.
Hereditary cancer-predisposing syndrome. Also called: Neoplastic Syndromes, Hereditary; Hereditary neoplastic syndrome; Hereditary Cancer Syndrome; Tumor predisposition. Identifiers: Orphanet 140162, MedGen C0027672, MeSH D009386, MONDO:0015356.
Multiple endocrine neoplasia, type 2 (MEN2). Identifiers: Orphanet 653, MedGen C4048306, MONDO:0019003. Disease mechanism: gain of function.
Multiple endocrine neoplasia type 2A. Also called: MULTIPLE ENDOCRINE NEOPLASIA, TYPE IIA; PTC SYNDROME; SIPPLE SYNDROME; MEN 2A; MEN-2A syndrome; Pheochromocytoma and amyloid producing medullary thyroid carcinoma. Identifiers: Orphanet 247698, Orphanet 653, MedGen C0025268, MeSH D018813, MONDO:0008234, OMIM 171400.

Allele frequency attached by ClinVar (database versions not stated): TOPMed 0.00009; gnomAD 0.00010; 1000 Genomes Project 0.00040; 1000 Genomes Project 30x 0.00047.
gnomAD v4.1: 22 of 1,613,218 alleles (0.0014%); highest among the groups gnomAD compares: African/African-American, 0.021%; no homozygotes.

Submissions (7):

PreventionGenetics, part of Exact Sciences
Classification: Likely benign for RET-related condition. Last evaluated: 2026-05-05. Review status: criteria provided, single submitter. Criteria: ACMG Guidelines, 2015. Collection method: clinical testing. Allele origin: germline.
Comment: This variant is classified as likely benign based on ACMG/AMP sequence variant interpretation guidelines (Richards et al. 2015 PMID: 25741868, with internal and published modifications).

Labcorp Genetics (formerly Invitae), Labcorp
Classification: Likely benign for Multiple endocrine neoplasia, type 2. Last evaluated: 2026-01-08. Review status: criteria provided, single submitter. Criteria: Invitae Variant Classification Sherloc (09022015). Collection method: clinical testing. Allele origin: germline.

Myriad Genetics, Inc.
Classification: Benign for Multiple endocrine neoplasia type 2A. Last evaluated: 2025-02-26. Review status: criteria provided, single submitter. Criteria: Myriad Autosomal Dominant, Autosomal Recessive and X-Linked Classification Criteria (2023). Collection method: clinical testing. Allele origin: unknown.
Comment: This variant is considered benign. This variant is a silent/synonymous amino acid change and it is not expected to impact splicing.

Color Diagnostics, LLC DBA Color Health
Classification: Likely benign for Multiple endocrine neoplasia, type 2. Last evaluated: 2022-11-06. Review status: criteria provided, single submitter. Criteria: ACMG Guidelines, 2015. Collection method: clinical testing. Allele origin: germline.

Quest Diagnostics Nichols Institute San Juan Capistrano
Classification: Benign. Last evaluated: 2021-08-09. Review status: criteria provided, single submitter. Criteria: Quest Diagnostics criteria. Collection method: clinical testing. Allele origin: unknown.

Sema4
Classification: Likely benign for Hereditary cancer-predisposing syndrome. Last evaluated: 2020-11-28. Review status: criteria provided, single submitter. Criteria: Sema4 Curation Guidelines. Collection method: curation. Allele origin: germline.

Ambry Genetics
Classification: Likely benign for Hereditary cancer-predisposing syndrome. Last evaluated: 2018-02-20. Review status: criteria provided, single submitter. Criteria: Ambry Variant Classification Scheme 2023. Collection method: clinical testing. Allele origin: germline.